The following is an entry in ClinVar:

ClinVar aggregate classification (germline): Pathogenic (1 of 4 stars; one submission).

Conditions:
Multiple endocrine neoplasia type 4. Also called: MULTIPLE ENDOCRINE NEOPLASIA, TYPE IV. Identifiers: Orphanet 276152, MedGen C1970712, MONDO:0012552, OMIM 610755.

Submission:

Labcorp Genetics (formerly Invitae), Labcorp
Classification: Pathogenic for Multiple endocrine neoplasia type 4. Last evaluated: 2025-07-25. Review status: criteria provided, single submitter. Criteria: Invitae Variant Classification Sherloc (09022015). Collection method: clinical testing. Allele origin: germline.
Comment: This sequence change creates a premature translational stop signal (p.Val101Glyfs*24) in the CDKN1B gene. It is expected to result in an absent or disrupted protein product. Loss-of-function variants in CDKN1B are known to be pathogenic (PMID: 17030811, 24819502). This variant is not present in population databases (gnomAD no frequency). This variant has not been reported in the literature in individuals affected with CDKN1B-related conditions. For these reasons, this variant has been classified as Pathogenic.

Literature cited by the submitters: PubMed 17030811; PubMed 24819502.

NM_004064.5(CDKN1B):c.301dup (p.Val101fs)

Gene: CDKN1B (cyclin dependent kinase inhibitor 1B; plus strand). Cytogenetic location: 12p13.1.
Variant type: Duplication.
Coding change: c.301dup on transcript NM_004064.5 (MANE Select); coding-DNA position 301, one base duplicated (G; older notation c.301dupG).
Protein change: p.Val101fs; shifts the reading frame from valine 101.
Molecular consequence: frameshift variant.
Genome position (GRCh38, 1-based): chr12:12,718,140, G duplicated; the last of 2 consecutive G bases (chr12:12,718,139-12,718,140); duplicating either gives the same sequence. VCF-style (leftmost placement, unchanged base first): chr12-12718138-A-AG. GRCh37 (hg19) VCF-style: chr12-12871072-A-AG.
Other names: short protein forms V101fs.
Identifiers: ClinVar variation 4723990 (VCV004723990.1).